The following is an entry in ClinVar:

NM_000536.4(RAG2):c.119C>T (p.Ser40Phe)

Gene: RAG2 (recombination activating 2; minus strand). Cytogenetic location: 11p12.
Variant type: single nucleotide variant.
Coding change: c.119C>T on transcript NM_000536.4 (MANE Select); coding-DNA position 119, C replaced by T.
Protein change: p.Ser40Phe; replaces serine 40 with phenylalanine.
Molecular consequence: missense variant.
Genome position (GRCh38, 1-based): chr11:36,594,050, G>A on the plus strand (C>T on the coding strand, the complement: RAG2 is on the minus strand). VCF-style: chr11-36594050-G-A. GRCh37 (hg19) VCF-style: chr11-36615600-G-A.
Other names: c.119C>T, p.Ser40Phe (NM_001243785.2, NM_001243786.2); short protein forms S40F.
Identifiers: ClinVar variation 2106714 (VCV002106714.4), dbSNP rs762460908, ClinGen allele CA380144555.

ClinVar aggregate classification (germline): Uncertain significance (1 of 4 stars; one submission).

Conditions:
Combined immunodeficiency with skin granulomas. Identifiers: Orphanet 157949, MedGen C2673536, MONDO:0009306, OMIM 233650.
Severe combined immunodeficiency, autosomal recessive, T cell-negative, B cell-negative, NK cell-positive. Also called: SCID, T CELL-NEGATIVE, B CELL-NEGATIVE, NK CELL-POSITIVE; SCID, AR, T-cell negative, B-cell negative, NK cell-positive; Severe combined immunodeficiency due to complete RAG1/2 deficiency. Identifiers: Orphanet 331206, MedGen C1832322, MONDO:0011086, OMIM 601457.

Submission:

Labcorp Genetics (formerly Invitae), Labcorp
Classification: Uncertain significance for Combined immunodeficiency with skin granulomas; Severe combined immunodeficiency, autosomal recessive, T cell-negative, B cell-negative, NK cell-positive. Last evaluated: 2022-03-04. Review status: criteria provided, single submitter. Criteria: Invitae Variant Classification Sherloc (09022015). Collection method: clinical testing. Allele origin: germline.
Comment: This variant is not present in population databases (gnomAD no frequency). This variant has not been reported in the literature in individuals affected with RAG2-related conditions. Advanced modeling of protein sequence and biophysical properties (such as structural, functional, and spatial information, amino acid conservation, physicochemical variation, residue mobility, and thermodynamic stability) performed at Invitae indicates that this missense variant is expected to disrupt RAG2 protein function. In summary, the available evidence is currently insufficient to determine the role of this variant in disease. Therefore, it has been classified as a Variant of Uncertain Significance. This sequence change replaces serine, which is neutral and polar, with phenylalanine, which is neutral and non-polar, at codon 40 of the RAG2 protein (p.Ser40Phe).